The following is an entry in ClinVar:

ClinVar aggregate classification (germline): Likely pathogenic (1 of 4 stars; one submission).

Conditions:
Von Hippel-Lindau syndrome (VHLS). Also called: VHL syndrome; Von Hippel-Lindau; von Hippel–Lindau syndrome. Identifiers: Orphanet 892, MedGen C0019562, MONDO:0008667, OMIM 193300. Disease mechanism: loss of function.

Submission:

Genetics Laboratory, Great Ormond Street Hospital NHS Foundation Trust, North Thames Genomic Laboratory Hub
Classification: Likely pathogenic for Von Hippel Lindau syndrome. Last evaluated: 2026-09-28. Review status: criteria provided, single submitter. Criteria: CanVIG Consensus Spec V3.0. Collection method: clinical testing. Allele origin: germline. Affected: yes.
Comment: PM2_supporting, PVS1_very-strong

NM_000551.4(VHL):c.549_550del (p.Tyr185fs)

Genes: VHL (von Hippel-Lindau tumor suppressor; plus strand), LOC107303340 (3p25 von Hippel-Lindau tumor suppressor, E3 ubiquitin protein ligase Alu-mediated recombination region; plus strand).
Variant type: Deletion.
Coding change: c.549_550del on transcript NM_000551.4 (MANE Select); coding-DNA positions 549 to 550, 2 bases deleted (GC; older notation c.549_550delGC).
Protein change: p.Tyr185fs; shifts the reading frame from tyrosine 185.
Molecular consequence: frameshift variant. On other transcripts: 3 prime UTR variant (1), non-coding transcript variant (1).
Genome position (GRCh38, 1-based): chr3:10,149,872-10,149,873, GC deleted; deleting any 2 consecutive bases within chr3:10,149,871-10,149,873 gives the same sequence; the c. name uses the placement nearest the transcript's 3' end. VCF-style (leftmost placement, unchanged base first): chr3-10149870-TCG-T. GRCh37 (hg19) VCF-style: chr3-10191554-TCG-T.
Other names: c.*103_*104del (NM_001354723.2); c.426_427del, p.Tyr144fs (NM_198156.3); short protein forms Y144fs, Y185fs.
Identifiers: ClinVar variation 5043554 (VCV005043554.1).